The following is an entry in ClinVar:

NM_001943.5(DSG2):c.45+257A>C

Gene: DSG2 (desmoglein 2; plus strand). Cytogenetic location: 18q12.1.
Variant type: single nucleotide variant.
Coding change: c.45+257A>C on transcript NM_001943.5 (MANE Select); 257 bases into the intron after coding-DNA position 45, A replaced by C.
Molecular consequence: intron variant.
Genome position (GRCh38, 1-based): chr18:31,498,553, A>C. VCF-style: chr18-31498553-A-C. GRCh37 (hg19) VCF-style: chr18-29078516-A-C.
Identifiers: ClinVar variation 683472 (VCV000683472.1), dbSNP rs9945420, ClinGen allele CA14594054.

ClinVar aggregate classification (germline): Benign (1 of 4 stars; one submission).

Allele frequency attached by ClinVar (database versions not stated): 1000 Genomes Project 0.38458; 1000 Genomes Project 30x 0.38648; gnomAD 0.39934 and 0.40632; TOPMed 0.40585.
gnomAD v4.1: 60,688 of 152,006 alleles (40%); highest among the groups gnomAD compares: African/African-American, 51%; 12,644 homozygotes.

Submission:

GeneDx
Classification: Benign. Last evaluated: 2018-06-18. Review status: criteria provided, single submitter. Criteria: GeneDx Variant Classification (06012015). Collection method: clinical testing. Allele origin: germline. Affected: yes.
Comment: This variant is considered likely benign or benign based on one or more of the following criteria: it is a conservative change, it occurs at a poorly conserved position in the protein, it is predicted to be benign by multiple in silico algorithms, and/or has population frequency not consistent with disease.